The following is an entry in ClinVar:

ClinVar aggregate classification (germline): Uncertain significance (1 of 4 stars; one submission).

Conditions:
Colorectal cancer, hereditary nonpolyposis, type 7. Identifiers: Orphanet 144, MedGen C1858380, MONDO:0013725, OMIM 614385.

Submission:

Labcorp Genetics (formerly Invitae), Labcorp
Classification: Uncertain significance for Colorectal cancer, hereditary nonpolyposis, type 7. Last evaluated: 2024-05-08. Review status: criteria provided, single submitter. Criteria: Invitae Variant Classification Sherloc (09022015). Collection method: clinical testing. Allele origin: germline.
Comment: This sequence change creates a premature translational stop signal (p.Glu1035Aspfs*17) in the MLH3 gene. It is expected to result in an absent or disrupted protein product. However, the current clinical and genetic evidence is not sufficient to establish whether loss-of-function variants in MLH3 cause disease. This variant is not present in population databases (gnomAD no frequency). This variant has not been reported in the literature in individuals affected with MLH3-related conditions. Algorithms developed to predict the effect of sequence changes on RNA splicing suggest that this variant may create or strengthen a splice site. In summary, the available evidence is currently insufficient to determine the role of this variant in disease. Therefore, it has been classified as a Variant of Uncertain Significance.

NM_001040108.2(MLH3):c.3104_3105insTC (p.Glu1035fs)

Gene: MLH3 (mutL homolog 3; minus strand). Cytogenetic location: 14q24.3.
Variant type: Insertion.
Coding change: c.3104_3105insTC on transcript NM_001040108.2 (MANE Select); coding-DNA positions 3104 to 3105, TC inserted.
Protein change: p.Glu1035fs; shifts the reading frame from glutamic acid 1035.
Molecular consequence: frameshift variant.
Genome position: GRCh38 VCF-style: chr14-75046551-T-TGA. GRCh37 (hg19) VCF-style: chr14-75513254-T-TGA.
Other names: c.3104_3105insTC, p.Glu1035fs (NM_014381.3); short protein forms E1035fs.
Identifiers: ClinVar variation 3652606 (VCV003652606.2).